The following is an entry in ClinVar:

ClinVar aggregate classification (germline): Uncertain significance (1 of 4 stars; one submission).

Conditions:
Dilated cardiomyopathy 1DD (CMD1DD). Identifiers: Orphanet 154, MedGen C2750995, MONDO:0013168, OMIM 613172.

Allele frequency attached by ClinVar (database versions not stated): gnomAD exomes 0.00001.
gnomAD v4.1: 9 of 1,551,622 alleles (0.00058%); highest among the groups gnomAD compares: East Asian, 0.0073%; no homozygotes.

Submission:

Labcorp Genetics (formerly Invitae), Labcorp
Classification: Uncertain significance for Dilated cardiomyopathy 1DD. Last evaluated: 2019-04-16. Review status: criteria provided, single submitter. Criteria: Invitae Variant Classification Sherloc (09022015). Collection method: clinical testing. Allele origin: germline.
Comment: This sequence change replaces glycine with glutamic acid at codon 181 of the RBM20 protein (p.Gly181Glu). The glycine residue is weakly conserved and there is a moderate physicochemical difference between glycine and glutamic acid. This variant is not present in population databases (ExAC no frequency). This variant has not been reported in the literature in individuals with RBM20-related conditions. Algorithms developed to predict the effect of missense changes on protein structure and function are either unavailable or do not agree on the potential impact of this missense change (SIFT: "Not Available"; PolyPhen-2: "Possibly Damaging"; Align-GVGD: "Class C0"). In summary, the available evidence is currently insufficient to determine the role of this variant in disease. Therefore, it has been classified as a Variant of Uncertain Significance.

NM_001134363.3(RBM20):c.542G>A (p.Gly181Glu)

Gene: RBM20 (RNA binding motif protein 20; plus strand). Cytogenetic location: 10q25.2.
Variant type: single nucleotide variant.
Coding change: c.542G>A on transcript NM_001134363.3 (MANE Select); coding-DNA position 542, G replaced by A.
Protein change: p.Gly181Glu; replaces glycine 181 with glutamic acid.
Molecular consequence: missense variant.
Genome position (GRCh38, 1-based): chr10:110,781,151, G>A. VCF-style: chr10-110781151-G-A. GRCh37 (hg19) VCF-style: chr10-112540909-G-A.
Other names: short protein forms G181E.
Identifiers: ClinVar variation 846194 (VCV000846194.9), dbSNP rs1371208217, ClinGen allele CA378381084.